The following is an entry in ClinVar:

ClinVar aggregate classification (germline): Conflicting classifications of pathogenicity. Review status: criteria provided, conflicting classifications (1 of 4 stars). 3 submissions from 3 submitters: Uncertain significance (2); Likely benign (1). Last evaluated 2024-08-28.

Conditions:
Hyperproinsulinemia. Identifiers: MedGen C0342283, MONDO:0014535, OMIM 616214.

Allele frequency attached by ClinVar (database versions not stated): gnomAD exomes 0.00004; ExAC 0.00005; TOPMed 0.00009; gnomAD 0.00014 and 0.00016; ESP Exome Variant Server 0.00015.

Submissions (3):

Labcorp Genetics (formerly Invitae), Labcorp
Classification: Likely benign. Last evaluated: 2024-08-28. Review status: criteria provided, single submitter. Criteria: Invitae Variant Classification Sherloc (09022015). Collection method: clinical testing. Allele origin: germline.

Genetic Services Laboratory, University of Chicago
Classification: Uncertain significance. Last evaluated: 2019-10-24. Review status: criteria provided, single submitter. Criteria: ACMG Guidelines, 2015. Collection method: clinical testing. Allele origin: germline. Affected: no.

Clinical Genomics, Uppaluri K&H Personalized Medicine Clinic
Classification: Uncertain significance for Hyperproinsulinemia. Review status: criteria provided, single submitter. Criteria: K &amp; H Uppaluri Personalized Medicine Clinic Variant Classification &amp; Assertion Criteria_Updated V.1. Collection method: research. Allele origin: unknown. Inheritance: Autosomal dominant inheritance.
Comment: Potent mutations in the INS gene can cause early onset diabetes mellitus which is insulin dependent. May have poor response to sulfonylureas, mutations in this gene can cause beta cell destruction. This particular variant F49L/ rs148685531 can predispose to Hyperinsulinemia and strength of predisposition is yet to be studied.

Literature cited by the submitters: PubMed 24843467 (cited by Clinical Genomics, Uppaluri K&H Personalized Medicine Clinic); PubMed 20938745 (cited by Clinical Genomics, Uppaluri K&H Personalized Medicine Clinic).

NM_000207.3(INS):c.147C>T (p.Phe49=)

Genes: INS (insulin; minus strand), INS-IGF2 (INS-IGF2 readthrough; minus strand). Cytogenetic location: 11p15.5.
Variant type: single nucleotide variant.
Coding change: c.147C>T on transcript NM_000207.3 (MANE Select); coding-DNA position 147, C replaced by T.
Protein change: p.Phe49=; no amino-acid change (phenylalanine 49 retained).
Molecular consequence: synonymous variant. On other transcripts: non-coding transcript variant (1).
Genome position (GRCh38, 1-based): chr11:2,160,825, G>A on the plus strand (C>T on the coding strand, the complement: INS is on the minus strand). VCF-style: chr11-2160825-G-A. GRCh37 (hg19) VCF-style: chr11-2182055-G-A.
Other names: c.147C>T, p.Phe49= (NM_001185097.2, NM_001185098.2, NM_001291897.2 and 1 more transcripts).
Identifiers: ClinVar variation 1337436 (VCV001337436.7), dbSNP rs148685531, ClinGen allele CA5818186.